The following is an entry in ClinVar:

ClinVar aggregate classification (germline): Likely benign (1 of 4 stars; one submission).

gnomAD v4.1: 1 of 1,613,420 alleles (0.000062%); highest among the groups gnomAD compares: East Asian, 0.0022%; no homozygotes.

Submission:

CeGaT Center for Human Genetics Tuebingen
Classification: Likely benign. Last evaluated: 2025-09-01. Review status: criteria provided, single submitter. Criteria: CeGaT Center For Human Genetics Tuebingen Variant Classification Criteria Version 2. Collection method: clinical testing. Allele origin: germline. Affected: yes. Observed: 1 variant allele.
Comment: STRN: BP4, BP7

NM_003162.4(STRN):c.447A>G (p.Gln149=)

Gene: STRN (striatin; minus strand). Cytogenetic location: 2p22.2.
Variant type: single nucleotide variant.
Coding change: c.447A>G on transcript NM_003162.4 (MANE Select); coding-DNA position 447, A replaced by G.
Protein change: p.Gln149=; no amino-acid change (glutamine 149 retained).
Molecular consequence: synonymous variant.
Genome position (GRCh38, 1-based): chr2:36,905,584, T>C on the plus strand (A>G on the coding strand, the complement: STRN is on the minus strand). VCF-style: chr2-36905584-T-C. GRCh37 (hg19) VCF-style: chr2-37132727-T-C.
Identifiers: ClinVar variation 4281454 (VCV004281454.7).